The following is an entry in ClinVar:

NM_006009.4(TUBA1A):c.1246G>A (p.Gly416Ser)

Gene: TUBA1A (tubulin alpha 1a; minus strand). Cytogenetic location: 12q13.12.
Variant type: single nucleotide variant.
Coding change: c.1246G>A on transcript NM_006009.4 (MANE Select); coding-DNA position 1246, G replaced by A.
Protein change: p.Gly416Ser; replaces glycine 416 with serine.
Molecular consequence: missense variant.
Genome position (GRCh38, 1-based): chr12:49,185,120, C>T on the plus strand (G>A on the coding strand, the complement: TUBA1A is on the minus strand). VCF-style: chr12-49185120-C-T. GRCh37 (hg19) VCF-style: chr12-49578903-C-T.
Other names: c.1246G>A, p.Gly416Ser (NM_001270399.2); c.1141G>A, p.Gly381Ser (NM_001270400.2); short protein forms G416S, G381S.
Identifiers: ClinVar variation 384538 (VCV000384538.5), dbSNP rs1057521986, ClinGen allele CA16607311.

ClinVar aggregate classification (germline): Pathogenic/Likely pathogenic. Review status: criteria provided, multiple submitters, no conflicts (2 of 4 stars). 4 submissions from 4 submitters: Pathogenic (1); Likely pathogenic (3). Last evaluated 2021-03-26.

Conditions:
Cerebral cortex disorder. Also called: Cerebral cortex disease. Identifiers: MedGen C1263847, MONDO:0044996.
TUBA1A-associated tubulinopathy.
Tubulinopathy. Also called: Tubulinopathies. Identifiers: MedGen CN850169, MONDO:0100153.

Submissions (4):

AURAGEN, Plan France Médecine Génomique
Classification: Likely pathogenic for Cerebral cortex disorder. Last evaluated: 2021-03-26. Review status: criteria provided, single submitter. Criteria: PFMG2025 (Lancet Reg Health Eur. 2025). Collection method: clinical testing. Allele origin: germline. Affected: yes.

GeneDx
Classification: Pathogenic. Last evaluated: 2021-01-12. Review status: criteria provided, single submitter. Criteria: GeneDx Variant Classification Process June 2021. Collection method: clinical testing. Allele origin: germline. Affected: yes.
Comment: Not observed in large population cohorts (Lek et al., 2016); Missense variants in this gene are often considered pathogenic (Stenson et al., 2014); In silico analysis supports that this missense variant has a deleterious effect on protein structure/function; This variant is associated with the following publications: (PMID: 30744660, 29068161, 28250456)

Rady Children's Institute for Genomic Medicine, Rady Children's Hospital San Diego
Classification: Likely pathogenic for TUBA1A-associated tubulinopathy. Last evaluated: 2019-12-06. Review status: criteria provided, single submitter. Criteria: ACMG Guidelines, 2015. Collection method: clinical testing. Allele origin: germline. Affected: yes.
Comment: The p.Gly416Ser variant has been reported in a large cohort study investigating the mutational and phenotypic spectrum of TUBA1A-associated tubulinopathy (PMID: 30744660). Additionally, the ClinVar database contains an entry for this variant (Variation ID: 384538). It is absent from the ExAC and gnomAD population databases and thus is presumed to be rare. The c.1246G>A (p.Gly416Ser) variant affects a highly conserved amino acid and is predicted by multiple in silico tools to have a deleterious effect on protein function. Analysis of the parental samples was negative for the variant, indicating this variant likely occurred as a de novo event. Based on the available evidence, the c.1246G>A (p.Gly416Ser) variant is classified as Likely Pathogenic.

Institute of Human Genetics, FAU Erlangen, Friedrich-Alexander-Universität Erlangen-Nürnberg
Classification: Likely pathogenic for Tubulinopathies. Last evaluated: 2018-07-01. Review status: criteria provided, single submitter. Criteria: ACMG Guidelines, 2015. Collection method: literature only. Allele origin: germline. Affected: yes. Observed: 1 variant allele.
Comment: The c.1246G>A, p.(Gly416Ser) variant has been reported as a variant of germline/unknown origin.

Literature cited by the submitters: PubMed 30744660 (cited by Institute of Human Genetics, FAU Erlangen, Friedrich-Alexander-Universität Erlangen-Nürnberg); DOI 10.1101/427948 (cited by Institute of Human Genetics, FAU Erlangen, Friedrich-Alexander-Universität Erlangen-Nürnberg).